The following is an entry in ClinVar:

ClinVar aggregate classification (germline): Likely benign (1 of 4 stars; one submission).

Allele frequency attached by ClinVar (database versions not stated): ExAC 0.00001; TOPMed 0.00001; ESP Exome Variant Server 0.00008.
gnomAD v4.1: 19 of 1,613,622 alleles (0.0012%); highest among the groups gnomAD compares: Non-Finnish European, 0.0014%; no homozygotes.

Submission:

GeneDx
Classification: Likely benign. Last evaluated: 2017-05-31. Review status: criteria provided, single submitter. Criteria: GeneDx Variant Classification (06012015). Collection method: clinical testing. Allele origin: germline. Affected: yes.
Comment: This variant is considered likely benign or benign based on one or more of the following criteria: it is a conservative change, it occurs at a poorly conserved position in the protein, it is predicted to be benign by multiple in silico algorithms, and/or has population frequency not consistent with disease.

NM_133433.4(NIPBL):c.891A>C (p.Leu297=)

Gene: NIPBL (NIPBL cohesin loading factor; plus strand). Cytogenetic location: 5p13.2.
Variant type: single nucleotide variant.
Coding change: c.891A>C on transcript NM_133433.4 (MANE Select); coding-DNA position 891, A replaced by C.
Protein change: p.Leu297=; no amino-acid change (leucine 297 retained).
Molecular consequence: synonymous variant.
Genome position (GRCh38, 1-based): chr5:36,975,798, A>C. VCF-style: chr5-36975798-A-C. GRCh37 (hg19) VCF-style: chr5-36975900-A-C.
Other names: c.891A>C, p.Leu297= (NM_015384.5).
Identifiers: ClinVar variation 509661 (VCV000509661.1), dbSNP rs373684382, ClinGen allele CA3235962.